The following is an entry in ClinVar:

ClinVar aggregate classification (germline): Uncertain significance (1 of 4 stars; one submission).

Conditions:
Catecholaminergic polymorphic ventricular tachycardia (CVPT). Also called: Catecholamine-induced polymorphic ventricular tachycardia. Identifiers: Orphanet 3286, MedGen C5574922, MONDO:0017990.

gnomAD v4.1: 1 of 1,613,528 alleles (0.000062%); no homozygotes.

Submission:

All of Us Research Program, National Institutes of Health
Classification: Uncertain significance for Catecholaminergic polymorphic ventricular tachycardia. Last evaluated: 2023-08-15. Review status: criteria provided, single submitter. Criteria: ACMG Guidelines, 2015. Collection method: clinical testing. Allele origin: germline. Inheritance: Autosomal dominant inheritance. Observed: 1 variant allele, 1 heterozygote.
Comment: This missense variant replaces phenylalanine with cysteine at codon 4788 of the RYR2 protein. Computational prediction suggests that this variant may have deleterious impact on protein structure and function (internally defined REVEL score threshold >= 0.7, PMID: 27666373). To our knowledge, functional studies have not been reported for this variant. This variant has not been reported in individuals affected with RYR2-related disorders in the literature. This variant has not been identified in the general population by the Genome Aggregation Database (gnomAD). The available evidence is insufficient to determine the role of this variant in disease conclusively. Therefore, this variant is classified as a Variant of Uncertain Significance.

This study involves interpretation of variants in research participants for the purpose of population health screening. Participant phenotype was not available at the time of variant classification. Additional details can be found in publication PMID: 35346344, PMCID: PMC8962531

NM_001035.3(RYR2):c.14363T>G (p.Phe4788Cys)

Gene: RYR2 (ryanodine receptor 2; plus strand). Cytogenetic location: 1q43.
Variant type: single nucleotide variant.
Coding change: c.14363T>G on transcript NM_001035.3 (MANE Select); coding-DNA position 14363, T replaced by G.
Protein change: p.Phe4788Cys; replaces phenylalanine 4788 with cysteine.
Molecular consequence: missense variant.
Genome position (GRCh38, 1-based): chr1:237,808,965, T>G. VCF-style: chr1-237808965-T-G. GRCh37 (hg19) VCF-style: chr1-237972265-T-G.
Other names: short protein forms F4788C.
Identifiers: ClinVar variation 3072875 (VCV003072875.1), dbSNP rs2528174887, ClinGen allele CA345424279.